The following is an entry in ClinVar:

ClinVar aggregate classification (germline): Uncertain significance (1 of 4 stars; one submission).

Conditions:
X-linked agammaglobulinemia with growth hormone deficiency (IGHD3). Also called: FLEISHER SYNDROME; ISOLATED GROWTH HORMONE DEFICIENCY, TYPE III, WITH AGAMMAGLOBULINEMIA; HYPOGAMMAGLOBULINEMIA AND ISOLATED GROWTH HORMONE DEFICIENCY, X-LINKED; IGHD III; AGAMMAGLOBULINEMIA AND ISOLATED GROWTH HORMONE DEFICIENCY, X-LINKED; Isolated growth hormone deficiency type 3. Identifiers: Orphanet 231692, Orphanet 631, MedGen C0472813, MONDO:0010615, OMIM 307200.

Submission:

Labcorp Genetics (formerly Invitae), Labcorp
Classification: Uncertain significance for X-linked agammaglobulinemia with growth hormone deficiency. Last evaluated: 2021-12-25. Review status: criteria provided, single submitter. Criteria: Invitae Variant Classification Sherloc (09022015). Collection method: clinical testing. Allele origin: germline.
Comment: In summary, the available evidence is currently insufficient to determine the role of this variant in disease. Therefore, it has been classified as a Variant of Uncertain Significance. This sequence change replaces methionine, which is neutral and non-polar, with isoleucine, which is neutral and non-polar, at codon 477 of the BTK protein (p.Met477Ile). This variant is not present in population databases (gnomAD no frequency). This variant has not been reported in the literature in individuals affected with BTK-related conditions. Advanced modeling of protein sequence and biophysical properties (such as structural, functional, and spatial information, amino acid conservation, physicochemical variation, residue mobility, and thermodynamic stability) performed at Invitae indicates that this missense variant is not expected to disrupt BTK protein function.

NM_000061.3(BTK):c.1431G>A (p.Met477Ile)

Gene: BTK (Bruton tyrosine kinase; minus strand). Cytogenetic location: Xq22.1.
Variant type: single nucleotide variant.
Coding change: c.1431G>A on transcript NM_000061.3 (MANE Select); coding-DNA position 1431, G replaced by A.
Protein change: p.Met477Ile; replaces methionine 477 with isoleucine.
Molecular consequence: missense variant. On other transcripts: intron variant (1).
Genome position (GRCh38, 1-based): chrX:101,356,187, C>T on the plus strand (G>A on the coding strand, the complement: BTK is on the minus strand). VCF-style: chrX-101356187-C-T. GRCh37 (hg19) VCF-style: chrX-100611175-C-T.
Other names: c.1533G>A, p.Met511Ile (NM_001287344.2); c.1039-1493G>A (NM_001287345.2); short protein forms M477I, M511I.
Identifiers: ClinVar variation 2060646 (VCV002060646.4), dbSNP rs2520553166, ClinGen allele CA413924178.